The following is an entry in ClinVar:

NM_020458.4(TTC7A):c.1449G>A (p.Gly483=)

Gene: TTC7A (tetratricopeptide repeat domain 7A; plus strand). Cytogenetic location: 2p21.
Variant type: single nucleotide variant.
Coding change: c.1449G>A on transcript NM_020458.4 (MANE Select); coding-DNA position 1449, G replaced by A.
Protein change: p.Gly483=; no amino-acid change (glycine 483 retained).
Molecular consequence: synonymous variant.
Genome position (GRCh38, 1-based): chr2:47,021,918, G>A. VCF-style: chr2-47021918-G-A. GRCh37 (hg19) VCF-style: chr2-47249057-G-A.
Other names: c.1449G>A, p.Gly483= (LRG_1323t1, NM_001288951.2); c.1347G>A, p.Gly449= (NM_001288953.2); c.387G>A, p.Gly129= (NM_001288955.2).
Identifiers: ClinVar variation 528470 (VCV000528470.29), dbSNP rs142810509, ClinGen allele CA1647672.

ClinVar aggregate classification (germline): Likely benign. Review status: criteria provided, multiple submitters, no conflicts (2 of 4 stars). 5 submissions from 5 submitters: Likely benign (3). 2 of the submissions do not count toward it. Last evaluated 2026-01-06.

Conditions:
Multiple gastrointestinal atresias. Also called: Multiple intestinal atresia; FAMILIAL INTESTINAL POLYATRESIA SYNDROME. Identifiers: Orphanet 2300, MedGen C0220744, MONDO:0009465.

Allele frequency attached by ClinVar (database versions not stated): 1000 Genomes Project 30x 0.00016; 1000 Genomes Project 0.00020; gnomAD exomes 0.00023 and 0.00041; ESP Exome Variant Server 0.00038; gnomAD 0.00024 and 0.00025; ExAC 0.00025; TOPMed 0.00025.
gnomAD v4.1: 629 of 1,614,108 alleles (0.039%); highest among the groups gnomAD compares: Middle Eastern, 0.066%; 1 homozygote.

Submissions (5):

Labcorp Genetics (formerly Invitae), Labcorp
Classification: Likely benign for Multiple gastrointestinal atresias. Last evaluated: 2026-01-06. Review status: criteria provided, single submitter. Criteria: Invitae Variant Classification Sherloc (09022015). Collection method: clinical testing. Allele origin: germline.

CeGaT Center for Human Genetics Tuebingen
Classification: Likely benign. Last evaluated: 2025-08-01. Review status: criteria provided, single submitter. Criteria: CeGaT Center For Human Genetics Tuebingen Variant Classification Criteria Version 2. Collection method: clinical testing. Allele origin: germline. Affected: yes. Observed: 2 variant alleles.
Comment: TTC7A: BP4, BP7

Blueprint Genetics
Classification: Likely benign. Last evaluated: 2024-11-25. Review status: criteria provided, single submitter. Criteria: ACMG Guidelines, 2015. Collection method: clinical testing. Allele origin: germline.

Clinical Genetics DNA and cytogenetics Diagnostics Lab, Erasmus MC, Erasmus Medical Center
Classification: Likely benign. Review status: no assertion criteria provided. Collection method: clinical testing. Allele origin: germline. Affected: yes. Study: VKGL Data-share Consensus. Not counted in ClinVar's aggregate classification.

Genome Diagnostics Laboratory, University Medical Center Utrecht
Classification: Likely benign. Review status: no assertion criteria provided. Collection method: clinical testing. Allele origin: germline. Affected: yes. Study: VKGL Data-share Consensus. Not counted in ClinVar's aggregate classification.